The following is an entry in ClinVar:

ClinVar aggregate classification (germline): Uncertain significance (1 of 4 stars; one submission).

Conditions:
Hereditary cancer-predisposing syndrome. Also called: Neoplastic Syndromes, Hereditary; Tumor predisposition; Hereditary neoplastic syndrome; Hereditary Cancer Syndrome. Identifiers: Orphanet 140162, MedGen C0027672, MeSH D009386, MONDO:0015356.
Cardiovascular phenotype. Identifiers: MedGen CN230736.

Submission:

Ambry Genetics
Classification: Uncertain significance for Cardiovascular phenotype; Hereditary cancer-predisposing syndrome. Last evaluated: 2019-09-26. Review status: criteria provided, single submitter. Criteria: Ambry Variant Classification Scheme 2023. Collection method: clinical testing. Allele origin: germline.
Comment: The p.H1700R variant (also known as c.5099A>G), located in coding exon 36 of the NF1 gene, results from an A to G substitution at nucleotide position 5099. The histidine at codon 1700 is replaced by arginine, an amino acid with highly similar properties. This amino acid position is not well conserved in available vertebrate species. In addition, this alteration is predicted to be tolerated by in silico analysis. Since supporting evidence is limited at this time, the clinical significance of this alteration remains unclear.

NM_001042492.3(NF1):c.5162A>G (p.His1721Arg)

Gene: NF1 (neurofibromin 1; plus strand). Cytogenetic location: 17q11.2.
Variant type: single nucleotide variant.
Coding change: c.5162A>G on transcript NM_001042492.3 (MANE Select); coding-DNA position 5162, A replaced by G.
Protein change: p.His1721Arg; replaces histidine 1721 with arginine.
Molecular consequence: missense variant.
Genome position (GRCh38, 1-based): chr17:31,326,146, A>G. VCF-style: chr17-31326146-A-G. GRCh37 (hg19) VCF-style: chr17-29653164-A-G.
Other names: c.5099A>G, p.His1700Arg (NM_000267.4); short protein forms H1700R, H1721R.
Identifiers: ClinVar variation 825435 (VCV000825435.4), dbSNP rs1597830164, ClinGen allele CA399007862.